The following is an entry in ClinVar:

NM_152564.5(VPS13B):c.10892_10893del (p.Ile3631fs)

Gene: VPS13B (vacuolar protein sorting 13 homolog B; plus strand). Cytogenetic location: 8q22.2.
Variant type: Deletion.
Coding change: c.10892_10893del on transcript NM_152564.5 (MANE Select); coding-DNA positions 10892 to 10893, 2 bases deleted (TT; older notation c.10892_10893delTT).
Protein change: p.Ile3631fs; shifts the reading frame from isoleucine 3631.
Molecular consequence: frameshift variant.
Genome position (GRCh38, 1-based): chr8:99,859,328-99,859,329, TT deleted. VCF-style (leftmost placement, unchanged base first): chr8-99859327-ATT-A. GRCh37 (hg19) VCF-style: chr8-100871555-ATT-A.
Other names: c.10967_10968del, p.Ile3656fs (NM_017890.5); short protein forms I3656fs, I3631fs.
Identifiers: ClinVar variation 2127071 (VCV002127071.4), dbSNP rs2492277833, ClinGen allele CA2580079186.

ClinVar aggregate classification (germline): Pathogenic (1 of 4 stars; one submission).

Conditions:
Cohen syndrome (COH1). Also called: Cutis verticis gyrata, retinitis pigmentosa, and sensorineural deafness; PEPPER SYNDROME. Identifiers: Orphanet 193, MedGen C0265223, MONDO:0008999, OMIM 216550.

Submission:

Labcorp Genetics (formerly Invitae), Labcorp
Classification: Pathogenic for Cohen syndrome. Last evaluated: 2022-04-16. Review status: criteria provided, single submitter. Criteria: Invitae Variant Classification Sherloc (09022015). Collection method: clinical testing. Allele origin: germline.
Comment: For these reasons, this variant has been classified as Pathogenic. This variant has not been reported in the literature in individuals affected with VPS13B-related conditions. This variant is not present in population databases (gnomAD no frequency). This sequence change creates a premature translational stop signal (p.Ile3656Thrfs*24) in the VPS13B gene. It is expected to result in an absent or disrupted protein product. Loss-of-function variants in VPS13B are known to be pathogenic (PMID: 15141358, 16648375, 20461111).

Literature cited by the submitters: PubMed 15141358; PubMed 16648375; PubMed 20461111.